The following is an entry in ClinVar:

ClinVar aggregate classification (germline): Pathogenic/Likely pathogenic. Review status: criteria provided, multiple submitters, no conflicts (2 of 4 stars). 2 submissions from 2 submitters: Pathogenic (1); Likely pathogenic (1). Last evaluated 2024-12-05.

Conditions:
Orofaciodigital syndrome type 14. Also called: Orofaciodigital syndrome xiv. Identifiers: Orphanet 434179, MedGen C4706604, MONDO:0014413, OMIM 615948.

Submissions (2):

Labcorp Genetics (formerly Invitae), Labcorp
Classification: Pathogenic. Last evaluated: 2024-12-05. Review status: criteria provided, single submitter. Criteria: Invitae Variant Classification Sherloc (09022015). Collection method: clinical testing. Allele origin: germline.
Comment: This sequence change creates a premature translational stop signal (p.Ala913Phefs*22) in the C2CD3 gene. It is expected to result in an absent or disrupted protein product. Loss-of-function variants in C2CD3 are known to be pathogenic (PMID: 24997988, 26477546). This variant is not present in population databases (gnomAD no frequency). This variant has not been reported in the literature in individuals affected with C2CD3-related conditions. For these reasons, this variant has been classified as Pathogenic.

Rady Children's Institute for Genomic Medicine, Rady Children's Hospital San Diego
Classification: Likely pathogenic for OROFACIODIGITAL SYNDROME XIV. Last evaluated: 2024-10-08. Review status: criteria provided, single submitter. Criteria: ACMG Guidelines, 2015. Collection method: clinical testing. Allele origin: germline. Affected: yes.
Comment: This frameshifting variant in exon 16 of 31 is predicted to result in loss of normal protein function through either protein truncation or nonsense-mediated mRNA decay. This variant has not been previously reported or functionally characterized in the literature to our knowledge. The c.2737_2744del (p.Ala913PhefsTer22) variant is absent from the latest version of the gnomAD population database and thus is presumed to be rare. Based on the available evidence, c.2737_2744del (p.Ala913PhefsTer22) is classified as Likely Pathogenic.

Literature cited by the submitters: PubMed 24997988 (cited by Labcorp Genetics (formerly Invitae), Labcorp); PubMed 26477546 (cited by Labcorp Genetics (formerly Invitae), Labcorp).

NM_001286577.2(C2CD3):c.2733_2740delAGATGCTA (p.Ala913fs)

Gene: C2CD3 (C2 domain containing 3 centriole elongation regulator; minus strand). Cytogenetic location: 11q13.4.
Variant type: Deletion.
Coding change: c.2733_2740delAGATGCTA on transcript NM_001286577.2 (MANE Select); coding-DNA positions 2733 to 2740, AGATGCTA deleted.
Protein change: p.Ala913fs; shifts the reading frame from alanine 913.
Molecular consequence: frameshift variant.
Genome position: GRCh38 VCF-style: chr11-74098243-AATCTTAGC-A. GRCh37 (hg19) VCF-style: chr11-73809288-AATCTTAGC-A.
Other names: c.2733_2740delAGATGCTA, p.Ala913fs (NM_015531.6); c.2737_2744del (NM_015531.5); short protein forms A913fs.
Identifiers: ClinVar variation 3668386 (VCV003668386.3).